The following is an entry in ClinVar:

NM_005996.4(TBX3):c.1048C>T (p.Pro350Ser)

Gene: TBX3 (T-box transcription factor 3; minus strand). Cytogenetic location: 12q24.21.
Variant type: single nucleotide variant.
Coding change: c.1048C>T on transcript NM_005996.4 (MANE Select); coding-DNA position 1048, C replaced by T.
Protein change: p.Pro350Ser; replaces proline 350 with serine.
Molecular consequence: missense variant.
Genome position (GRCh38, 1-based): chr12:114,674,827, G>A on the plus strand (C>T on the coding strand, the complement: TBX3 is on the minus strand). VCF-style: chr12-114674827-G-A. GRCh37 (hg19) VCF-style: chr12-115112632-G-A.
Other names: c.1108C>T, p.Pro370Ser (NM_016569.4); short protein forms P370S, P350S.
Identifiers: ClinVar variation 4986897 (VCV004986897.1).

ClinVar aggregate classification (germline): Uncertain significance (1 of 4 stars; one submission).

Conditions:
TBX3-related disorder. Also called: TBX3-related condition.

gnomAD v4.1: 3 of 1,570,910 alleles (0.00019%); highest among the groups gnomAD compares: African/African-American, 0.0027%; no homozygotes.

Submission:

PreventionGenetics, part of Exact Sciences
Classification: Uncertain significance for TBX3-related condition. Last evaluated: 2026-05-24. Review status: criteria provided, single submitter. Criteria: ACMG Guidelines, 2015. Collection method: clinical testing. Allele origin: germline.
Comment: The TBX3 c.1108C>T variant is predicted to result in the amino acid substitution p.Pro370Ser. To our knowledge, this variant has not been reported in the literature. This variant is reported in 0.0089% of alleles in individuals of African descent in gnomAD. At this time, the clinical significance of this variant is uncertain due to the absence of conclusive functional and genetic evidence.